The following is an entry in ClinVar:

ClinVar aggregate classification (germline): Uncertain significance (1 of 4 stars; one submission).

Submission:

Labcorp Genetics (formerly Invitae), Labcorp
Classification: Uncertain significance. Last evaluated: 2026-01-20. Review status: criteria provided, single submitter. Criteria: Invitae Variant Classification Sherloc (09022015). Collection method: clinical testing. Allele origin: germline.
Comment: This sequence change replaces proline, which is neutral and non-polar, with alanine, which is neutral and non-polar, at codon 1210 of the PCARE protein (p.Pro1210Ala). This variant is not present in population databases (gnomAD no frequency). This variant has not been reported in the literature in individuals affected with PCARE-related conditions. An algorithm developed to predict the effect of missense changes on protein structure and function outputs the following: PolyPhen-2: "Benign". The alanine amino acid residue is found in multiple mammalian species, which suggests that this missense change does not adversely affect protein function. In summary, the available evidence is currently insufficient to determine the role of this variant in disease. Therefore, it has been classified as a Variant of Uncertain Significance.

NM_001029883.3(PCARE):c.3628C>G (p.Pro1210Ala)

Gene: PCARE (photoreceptor cilium actin regulator; minus strand). Cytogenetic location: 2p23.2.
Variant type: single nucleotide variant.
Coding change: c.3628C>G on transcript NM_001029883.3 (MANE Select); coding-DNA position 3628, C replaced by G.
Protein change: p.Pro1210Ala; replaces proline 1210 with alanine.
Molecular consequence: missense variant.
Genome position (GRCh38, 1-based): chr2:29,070,634, G>C on the plus strand (C>G on the coding strand, the complement: PCARE is on the minus strand). VCF-style: chr2-29070634-G-C. GRCh37 (hg19) VCF-style: chr2-29293500-G-C.
Other names: short protein forms P1210A.
Identifiers: ClinVar variation 4735866 (VCV004735866.1).